The following is an entry in ClinVar:

ClinVar aggregate classification (germline): Uncertain significance (1 of 4 stars; one submission).

Submission:

Dasa
Classification: Uncertain significance. Last evaluated: 2025-02-19. Review status: criteria provided, single submitter. Criteria: DASA Assertion Criteria. Collection method: clinical testing. Allele origin: germline.
Comment: NM_001348716.2(KDM6B):c.1787A>C (p.Asp596Ala) is a missense variant that results in the substitution of aspartic acid with alanine. This variant is rare in population databases. Computational prediction algorithms are consistent with a benign effect. The currently available literature and clinical evidence are not sufficient to establish a definitive association between this variant and the reported condition. Therefore, this variant is classified as a variant of uncertain significance.

NM_001348716.2(KDM6B):c.1787A>C (p.Asp596Ala)

Gene: KDM6B (lysine demethylase 6B; plus strand). Cytogenetic location: 17p13.1.
Variant type: single nucleotide variant.
Coding change: c.1787A>C on transcript NM_001348716.2 (MANE Select); coding-DNA position 1787, A replaced by C.
Protein change: p.Asp596Ala; replaces aspartic acid 596 with alanine.
Molecular consequence: missense variant.
Genome position (GRCh38, 1-based): chr17:7,848,075, A>C. VCF-style: chr17-7848075-A-C. GRCh37 (hg19) VCF-style: chr17-7751393-A-C.
Other names: c.1787A>C, p.Asp596Ala (NM_001080424.2); short protein forms D596A.
Identifiers: ClinVar variation 4883337 (VCV004883337.2).
Genomic context (GRCh38, chr17:7,848,075, plus strand): 5'-ATCTGGCCAGAAGTATAGACCCCCTTCCCCGGCCTCCCAGCCCAGCACAGAACCCCCAGG[A>C]CCCACCTCTTGTACCCCTGACTCTTGCCCTGCCTCCAGCCCCTCCTTCCTCCTGCCACCA-3'
Protein context (NP_001335645.1, residues 586-606): RPPSPAQNPQ[Asp596Ala]PPLVPLTLAL